The following is an entry in ClinVar:

NM_000059.4(BRCA2):c.2283T>G (p.Tyr761Ter)

Gene: BRCA2 (BRCA2 DNA repair associated; plus strand). Cytogenetic location: 13q13.1.
Variant type: single nucleotide variant.
Coding change: c.2283T>G on transcript NM_000059.4 (MANE Select); coding-DNA position 2283, T replaced by G.
Protein change: p.Tyr761Ter; replaces tyrosine 761 with a stop codon.
Molecular consequence: nonsense. On other transcripts: non-coding transcript variant (1), intron variant (2).
Genome position (GRCh38, 1-based): chr13:32,336,638, T>G. VCF-style: chr13-32336638-T-G. GRCh37 (hg19) VCF-style: chr13-32910775-T-G.
Other names: c.2283T>G, p.Tyr761Ter (NM_001406719.1, NM_001406720.1, NM_001432077.1); c.1909+3251T>G (NM_001406721.1); c.424+5608T>G (NM_001406722.1); short protein forms Y761*.
Identifiers: ClinVar variation 3647538 (VCV003647538.2).

ClinVar aggregate classification (germline): Pathogenic (1 of 4 stars; one submission).

Conditions:
Hereditary breast ovarian cancer syndrome. Also called: Hereditary breast and ovarian cancer syndrome (HBOC); Hereditary breast and ovarian cancer; BRCA1- and BRCA2-Associated Hereditary Breast and Ovarian Cancer; Hereditary breast and ovarian cancer syndrome; Hereditary breast and/or ovarian cancer syndrome; Breast and ovarian cancer. Identifiers: Orphanet 145, MedGen C0677776, MeSH D061325, MONDO:0003582. Disease mechanism: loss of function.

Submission:

Labcorp Genetics (formerly Invitae), Labcorp
Classification: Pathogenic for Hereditary breast ovarian cancer syndrome. Last evaluated: 2024-03-25. Review status: criteria provided, single submitter. Criteria: Invitae Variant Classification Sherloc (09022015). Collection method: clinical testing. Allele origin: germline.
Comment: This sequence change creates a premature translational stop signal (p.Tyr761*) in the BRCA2 gene. It is expected to result in an absent or disrupted protein product. Loss-of-function variants in BRCA2 are known to be pathogenic (PMID: 20104584). This variant is not present in population databases (gnomAD no frequency). This variant has not been reported in the literature in individuals affected with BRCA2-related conditions. For these reasons, this variant has been classified as Pathogenic.

Literature cited by the submitters: PubMed 20104584.